The following is an entry in ClinVar:

NM_000632.4(ITGAM):c.2020G>C (p.Val674Leu)

Gene: ITGAM (integrin subunit alpha M; plus strand). Cytogenetic location: 16p11.2.
Variant type: single nucleotide variant.
Coding change: c.2020G>C on transcript NM_000632.4 (MANE Select); coding-DNA position 2020, G replaced by C.
Protein change: p.Val674Leu; replaces valine 674 with leucine.
Molecular consequence: missense variant.
Genome position (GRCh38, 1-based): chr16:31,324,416, G>C. VCF-style: chr16-31324416-G-C. GRCh37 (hg19) VCF-style: chr16-31335737-G-C.
Other names: c.2023G>C, p.Val675Leu (NM_001145808.2); short protein forms V674L, V675L.
Identifiers: ClinVar variation 2850496 (VCV002850496.3), dbSNP rs2544494601, ClinGen allele CA395686403.

ClinVar aggregate classification (germline): Uncertain significance (1 of 4 stars; one submission).

Submission:

Labcorp Genetics (formerly Invitae), Labcorp
Classification: Uncertain significance. Last evaluated: 2024-10-24. Review status: criteria provided, single submitter. Criteria: Invitae Variant Classification Sherloc (09022015). Collection method: clinical testing. Allele origin: germline.
Comment: This sequence change replaces valine, which is neutral and non-polar, with leucine, which is neutral and non-polar, at codon 674 of the ITGAM protein (p.Val674Leu). This variant is not present in population databases (gnomAD no frequency). This variant has not been reported in the literature in individuals affected with ITGAM-related conditions. An algorithm developed to predict the effect of missense changes on protein structure and function (PolyPhen-2) suggests that this variant is likely to be tolerated. In summary, the available evidence is currently insufficient to determine the role of this variant in disease. Therefore, it has been classified as a Variant of Uncertain Significance.